The following is an entry in ClinVar:

NM_000426.4(LAMA2):c.8443A>G (p.Thr2815Ala)

Gene: LAMA2 (laminin subunit alpha 2; plus strand). Cytogenetic location: 6q22.33.
Variant type: single nucleotide variant.
Coding change: c.8443A>G on transcript NM_000426.4 (MANE Select); coding-DNA position 8443, A replaced by G.
Protein change: p.Thr2815Ala; replaces threonine 2815 with alanine.
Molecular consequence: missense variant.
Genome position (GRCh38, 1-based): chr6:129,503,176, A>G. VCF-style: chr6-129503176-A-G. GRCh37 (hg19) VCF-style: chr6-129824321-A-G.
Other names: c.8431A>G, p.Thr2811Ala (NM_001079823.2); short protein forms T2815A, T2811A.
Identifiers: ClinVar variation 906158 (VCV000906158.8), dbSNP rs1169241862, ClinGen allele CA365634143.

ClinVar aggregate classification (germline): Uncertain significance. Review status: criteria provided, multiple submitters, no conflicts (2 of 4 stars). 3 submissions from 3 submitters: Uncertain significance (3). Last evaluated 2022-07-27.

Conditions:
LAMA2-related muscular dystrophy (LAMA2-RD). Also called: Laminin alpha 2-related dystrophy. Identifiers: MedGen C5679788, MONDO:0100228.
Congenital muscular dystrophy due to partial LAMA2 deficiency. Identifiers: MedGen C1842898.

Allele frequency attached by ClinVar (database versions not stated): gnomAD exomes below 0.00001.
gnomAD v4.1: 2 of 1,614,170 alleles (0.00012%); highest among the groups gnomAD compares: Non-Finnish European, 0.00017%; no homozygotes.

Submissions (3):

Labcorp Genetics (formerly Invitae), Labcorp
Classification: Uncertain significance for LAMA2-related muscular dystrophy. Last evaluated: 2022-07-27. Review status: criteria provided, single submitter. Criteria: Invitae Variant Classification Sherloc (09022015). Collection method: clinical testing. Allele origin: germline.
Comment: This sequence change replaces threonine, which is neutral and polar, with alanine, which is neutral and non-polar, at codon 2815 of the LAMA2 protein (p.Thr2815Ala). This variant is present in population databases (no rsID available, gnomAD 0.0009%). This variant has not been reported in the literature in individuals affected with LAMA2-related conditions. ClinVar contains an entry for this variant (Variation ID: 906158). Advanced modeling of protein sequence and biophysical properties (such as structural, functional, and spatial information, amino acid conservation, physicochemical variation, residue mobility, and thermodynamic stability) performed at Invitae indicates that this missense variant is not expected to disrupt LAMA2 protein function. Algorithms developed to predict the effect of sequence changes on RNA splicing suggest that this variant may create or strengthen a splice site. In summary, the available evidence is currently insufficient to determine the role of this variant in disease. Therefore, it has been classified as a Variant of Uncertain Significance.

Revvity Omics, Revvity
Classification: Uncertain significance. Last evaluated: 2019-07-22. Review status: criteria provided, single submitter. Criteria: ACMG Guidelines, 2015. Collection method: clinical testing. Allele origin: germline.

Illumina Laboratory Services, Illumina
Classification: Uncertain significance for Congenital muscular dystrophy due to partial LAMA2 deficiency. Last evaluated: 2017-04-28. Review status: criteria provided, single submitter. Criteria: ICSL Variant Classification Criteria 13 December 2019. Collection method: clinical testing. Allele origin: germline.